The following is an entry in ClinVar:

ClinVar aggregate classification (germline): Uncertain significance. Review status: criteria provided, single submitter (1 of 4 stars). 2 submissions from 2 submitters: Uncertain significance (1). 1 of the submissions does not count toward it. Last evaluated 2022-04-01.

Conditions:
Usher syndrome type 1B (USH1B). Also called: Usher syndrome type IB. Identifiers: MedGen C1848638, MONDO:0700087.

Allele frequency attached by ClinVar (database versions not stated): TOPMed below 0.00001.
gnomAD v4.1: 1 of 1,602,938 alleles (0.000062%); highest among the groups gnomAD compares: African/African-American, 0.0013%; no homozygotes.

Submissions (2):

Labcorp Genetics (formerly Invitae), Labcorp
Classification: Uncertain significance. Last evaluated: 2022-04-01. Review status: criteria provided, single submitter. Criteria: Invitae Variant Classification Sherloc (09022015). Collection method: clinical testing. Allele origin: germline.
Comment: This sequence change replaces alanine, which is neutral and non-polar, with valine, which is neutral and non-polar, at codon 335 of the MYO7A protein (p.Ala335Val). This variant is not present in population databases (gnomAD no frequency). This variant has not been reported in the literature in individuals affected with MYO7A-related conditions. ClinVar contains an entry for this variant (Variation ID: 1055786). Algorithms developed to predict the effect of missense changes on protein structure and function (SIFT, PolyPhen-2, Align-GVGD) all suggest that this variant is likely to be tolerated. Algorithms developed to predict the effect of sequence changes on RNA splicing suggest that this variant may create or strengthen a splice site. In summary, the available evidence is currently insufficient to determine the role of this variant in disease. Therefore, it has been classified as a Variant of Uncertain Significance.

Natera, Inc.
Classification: Uncertain significance for Usher syndrome type 1B. Last evaluated: 2021-04-15. Review status: no assertion criteria provided. Collection method: clinical testing. Allele origin: germline. Not counted in ClinVar's aggregate classification.

NM_000260.4(MYO7A):c.1004C>T (p.Ala335Val)

Gene: MYO7A (myosin VIIA; plus strand). Cytogenetic location: 11q13.5.
Variant type: single nucleotide variant.
Coding change: c.1004C>T on transcript NM_000260.4 (MANE Select); coding-DNA position 1004, C replaced by T.
Protein change: p.Ala335Val; replaces alanine 335 with valine.
Molecular consequence: missense variant.
Genome position (GRCh38, 1-based): chr11:77,159,447, C>T. VCF-style: chr11-77159447-C-T. GRCh37 (hg19) VCF-style: chr11-76870493-C-T.
Other names: c.1004C>T, p.Ala335Val (NM_001127180.2); c.971C>T, p.Ala324Val (NM_001369365.1); short protein forms A324V, A335V.
Identifiers: ClinVar variation 1055786 (VCV001055786.10), dbSNP rs1565349265, ClinGen allele CA381933789.